The following is an entry in ClinVar:

ClinVar aggregate classification (germline): Uncertain significance (1 of 4 stars; one submission).

Submission:

Labcorp Genetics (formerly Invitae), Labcorp
Classification: Uncertain significance. Last evaluated: 2022-05-18. Review status: criteria provided, single submitter. Criteria: Invitae Variant Classification Sherloc (09022015). Collection method: clinical testing. Allele origin: germline.
Comment: This sequence change replaces threonine, which is neutral and polar, with asparagine, which is neutral and polar, at codon 453 of the CSF2RB protein (p.Thr453Asn). This variant is not present in population databases (gnomAD no frequency). This variant has not been reported in the literature in individuals affected with CSF2RB-related conditions. Algorithms developed to predict the effect of missense changes on protein structure and function are either unavailable or do not agree on the potential impact of this missense change (SIFT: "Deleterious"; PolyPhen-2: "Probably Damaging"; Align-GVGD: "Class C0"). In summary, the available evidence is currently insufficient to determine the role of this variant in disease. Therefore, it has been classified as a Variant of Uncertain Significance.

NM_000395.3(CSF2RB):c.1358C>A (p.Thr453Asn)

Gene: CSF2RB (colony stimulating factor 2 receptor subunit beta; plus strand). Cytogenetic location: 22q12.3.
Variant type: single nucleotide variant.
Coding change: c.1358C>A on transcript NM_000395.3 (MANE Select); coding-DNA position 1358, C replaced by A.
Protein change: p.Thr453Asn; replaces threonine 453 with asparagine.
Molecular consequence: missense variant.
Genome position (GRCh38, 1-based): chr22:36,935,393, C>A. VCF-style: chr22-36935393-C-A. GRCh37 (hg19) VCF-style: chr22-37331435-C-A.
Other names: c.1376C>A, p.Thr459Asn (NM_001410827.1); short protein forms T453N, T459N.
Identifiers: ClinVar variation 1995880 (VCV001995880.4), dbSNP rs1941245103, ClinGen allele CA411409252.